The following is an entry in ClinVar:

ClinVar aggregate classification (germline): Uncertain significance (1 of 4 stars; one submission).

Conditions:
Autosomal recessive limb-girdle muscular dystrophy type 2A (LGMDR1). Also called: LEYDEN-MOEBIUS MUSCULAR DYSTROPHY; MUSCULAR DYSTROPHY, PELVOFEMORAL; Muscular dystrophy, limb-girdle, type 2A, Amish; Limb-girdle muscular dystrophy, type 2A; Calpainopathy. Identifiers: Orphanet 267, MedGen C1869123, MONDO:0009675, OMIM 253600. Disease mechanism: loss of function.

Allele frequency attached by ClinVar (database versions not stated): gnomAD exomes below 0.00001; gnomAD 0.00001; ExAC 0.00004; 1000 Genomes Project 30x 0.00016; 1000 Genomes Project 0.00020.
gnomAD v4.1: 2 of 1,562,010 alleles (0.00013%); highest among the groups gnomAD compares: South Asian, 0.0012%; no homozygotes.

Submission:

Labcorp Genetics (formerly Invitae), Labcorp
Classification: Uncertain significance for Autosomal recessive limb-girdle muscular dystrophy type 2A. Last evaluated: 2021-12-29. Review status: criteria provided, single submitter. Criteria: Invitae Variant Classification Sherloc (09022015). Collection method: clinical testing. Allele origin: germline.
Comment: This missense change has been observed in individual(s) with autosomal recessive limb girdle muscular dystrophy and/or CAPN3-related conditions (PMID: 16141003, 30919934). In summary, the available evidence is currently insufficient to determine the role of this variant in disease. Therefore, it has been classified as a Variant of Uncertain Significance. Advanced modeling of protein sequence and biophysical properties (such as structural, functional, and spatial information, amino acid conservation, physicochemical variation, residue mobility, and thermodynamic stability) performed at Invitae indicates that this missense variant is expected to disrupt CAPN3 protein function. This variant is present in population databases (rs528523969, gnomAD 0.004%). This sequence change replaces leucine, which is neutral and non-polar, with proline, which is neutral and non-polar, at codon 353 of the CAPN3 protein (p.Leu353Pro).

Literature cited by the submitters: PubMed 16141003; PubMed 30919934.

NM_000070.3(CAPN3):c.1058T>C (p.Leu353Pro)

Gene: CAPN3 (calpain 3; plus strand). Cytogenetic location: 15q15.1.
Variant type: single nucleotide variant.
Coding change: c.1058T>C on transcript NM_000070.3 (MANE Select); coding-DNA position 1058, T replaced by C.
Protein change: p.Leu353Pro; replaces leucine 353 with proline.
Molecular consequence: missense variant.
Genome position (GRCh38, 1-based): chr15:42,394,284, T>C. VCF-style: chr15-42394284-T-C. GRCh37 (hg19) VCF-style: chr15-42686482-T-C.
Other names: c.1058T>C, p.Leu353Pro (NM_024344.2); c.914T>C, p.Leu305Pro (NM_173087.2); c.797T>C, p.Leu266Pro (NM_212464.2); c.*751T>C (NM_212467.2); short protein forms L266P, L305P, L353P.
Identifiers: ClinVar variation 2137653 (VCV002137653.4), dbSNP rs528523969, ClinGen allele CA7511236.